The following is an entry in ClinVar:

ClinVar aggregate classification (germline): Conflicting classifications of pathogenicity. Review status: criteria provided, conflicting classifications (1 of 4 stars). 7 submissions from 7 submitters: Uncertain significance (6); Likely benign (1). Last evaluated 2026-08-06.

Conditions:
Cardiovascular phenotype. Identifiers: MedGen CN230736.
MYBPC3-related disorder. Also called: MYBPC3-related disorders; MYBPC3-related condition; MYBPC3-related disease.
Cardiomyopathy (CMYO). Also called: Cardiomyopathies. Identifiers: Orphanet 167848, MedGen C0878544, MONDO:0004994, HP:0001638. Inheritance: Various modes of inheritance.
Hypertrophic cardiomyopathy. Also called: HYPERTROPHIC MYOCARDIOPATHY. Identifiers: Orphanet 217569, MedGen C0007194, MeSH D002312, MONDO:0005045, HP:0001639.

Allele frequency attached by ClinVar (database versions not stated): gnomAD exomes below 0.00001.
gnomAD v4.1: 7 of 1,614,028 alleles (0.00043%); highest among the groups gnomAD compares: Non-Finnish European, 0.000085%; no homozygotes.

Submissions (7):

Ambry Genetics
Classification: Likely benign for Cardiovascular phenotype. Last evaluated: 2026-08-06. Review status: criteria provided, single submitter. Criteria: Ambry Variant Classification Scheme 2023. Collection method: clinical testing. Allele origin: germline.

PreventionGenetics, part of Exact Sciences
Classification: Uncertain significance for MYBPC3-related condition. Last evaluated: 2026-04-06. Review status: criteria provided, single submitter. Criteria: ACMG Guidelines, 2015. Collection method: clinical testing. Allele origin: germline.
Comment: The MYBPC3 c.2479C>A variant is predicted to result in the amino acid substitution p.Gln827Lys. This variant has been reported as a variant of uncertain significance in individuals with left ventricular noncompaction or hypertrophic cardiomyopathy (Table S2, Mazzarotto et al. 2021. PubMed ID: 33500567; Table S1, Murphy et al. 2024. PubMed ID: 38489124). This variant has not been reported in a large population database (gnomAD), indicating this variant is rare. At this time, the clinical significance of this variant is uncertain due to the absence of conclusive functional and genetic evidence.

Labcorp Genetics (formerly Invitae), Labcorp
Classification: Uncertain significance for Hypertrophic cardiomyopathy. Last evaluated: 2026-01-10. Review status: criteria provided, single submitter. Criteria: Invitae Variant Classification Sherloc (09022015). Collection method: clinical testing. Allele origin: germline.
Comment: This sequence change replaces glutamine, which is neutral and polar, with lysine, which is basic and polar, at codon 827 of the MYBPC3 protein (p.Gln827Lys). This variant is not present in population databases (gnomAD no frequency). This missense change has been observed in individual(s) with MYBPC3-related conditions (PMID: 29447731). ClinVar contains an entry for this variant (Variation ID: 180971). An algorithm developed to predict the effect of missense changes on protein structure and function (PolyPhen-2) suggests that this variant is likely to be tolerated. In summary, the available evidence is currently insufficient to determine the role of this variant in disease. Therefore, it has been classified as a Variant of Uncertain Significance.

Revvity Omics, Revvity
Classification: Uncertain significance. Last evaluated: 2025-01-17. Review status: criteria provided, single submitter. Criteria: ACMG Guidelines, 2015. Collection method: clinical testing. Allele origin: germline.

All of Us Research Program, National Institutes of Health
Classification: Uncertain significance for Hypertrophic cardiomyopathy. Last evaluated: 2024-08-13. Review status: criteria provided, single submitter. Criteria: ACMG Guidelines, 2015. Collection method: clinical testing. Allele origin: germline. Inheritance: Autosomal dominant inheritance. Observed: 7 variant alleles, 7 heterozygotes.
Comment: This missense variant replaces glutamine with lysine at codon 827 of the MYBPC3 protein. Computational prediction tools indicate that this variant has a neutral impact on protein structure and function. To our knowledge, functional studies have not been reported for this variant. This variant has been reported in an individual affected with hypertrophic cardiomyopathy (PMID: 38489124) and in an individual affected with left ventricular noncompaction cardiomyopathy (PMID: 29447731, 33500567). This variant has not been identified in the general population by the Genome Aggregation Database (gnomAD). The available evidence is insufficient to determine the role of this variant in disease conclusively. Therefore, this variant is classified as a Variant of Uncertain Significance.

This study involves interpretation of variants in research participants for the purpose of population health screening. Participant phenotype was not available at the time of variant classification. Additional details can be found in publication PMID: 35346344, PMCID: PMC8962531

Color Diagnostics, LLC DBA Color Health
Classification: Uncertain significance for Cardiomyopathy. Last evaluated: 2024-07-25. Review status: criteria provided, single submitter. Criteria: ACMG Guidelines, 2015. Collection method: clinical testing. Allele origin: germline.
Comment: This missense variant replaces glutamine with lysine at codon 827 of the MYBPC3 protein. Computational prediction tools indicate that this variant has a neutral impact on protein structure and function. To our knowledge, functional studies have not been reported for this variant. This variant has been reported in an individual affected with hypertrophic cardiomyopathy (PMID: 38489124) and in an individual affected with left ventricular noncompaction cardiomyopathy (PMID: 29447731, 33500567). This variant has not been identified in the general population by the Genome Aggregation Database (gnomAD). The available evidence is insufficient to determine the role of this variant in disease conclusively. Therefore, this variant is classified as a Variant of Uncertain Significance.

GeneDx
Classification: Uncertain significance. Last evaluated: 2014-04-22. Review status: criteria provided, single submitter. Criteria: GeneDx Variant Classification (06012015). Collection method: clinical testing. Allele origin: germline. Affected: yes.
Comment: The Q827K variant has not been published as a mutation, nor has it been reported as a benign polymorphism to our knowledge. The Q827K variant was not observed in approximately 6,400 individuals of European and African American ancestry in the NHLBI Exome Sequencing Project, indicating it is not a common benign variant in these populations. Additionally, missense mutations in nearby residues (R820W, R820Q, E832G, A833T) have been reported in association with cardiomyopathy, supporting the functional importance of this region of the protein. The Q827K variant is a semi-conservative amino acid substitution, which may impact secondary protein structure as these residues differ in some properties. However, the Q827K substitution occurs at a position that is not conserved across species (K827 is present in many species including chicken). Consequently, in silico analysis predicts this variant likely does not alter the protein structure/function. Therefore, based on the currently available information, it is unclear whether this variant is a pathogenic mutation or a rare benign variant. Mutations in the MYBPC3 gene have been reported in 20%-30% of patients with autosomal dominant familial hypertrophic cardiomyopathy, and have been reported less frequently in patients with autosomal dominant familial dilated cardiomyopathy (CirinoA et al., 2011; Hershberger R et al., 2009). The variant is found in CARDIOMYOPATHY panel(s).

Literature cited by the submitters: PubMed 38489124 (cited by 3 submitters); PubMed 29447731 (cited by 3 submitters); PubMed 33500567 (cited by All of Us Research Program, National Institutes of Health and Color Diagnostics, LLC DBA Color Health).

NM_000256.3(MYBPC3):c.2479C>A (p.Gln827Lys)

Gene: MYBPC3 (myosin binding protein C3; minus strand). Cytogenetic location: 11p11.2.
Variant type: single nucleotide variant.
Coding change: c.2479C>A on transcript NM_000256.3 (MANE Select); coding-DNA position 2479, C replaced by A.
Protein change: p.Gln827Lys; replaces glutamine 827 with lysine.
Molecular consequence: missense variant.
Genome position (GRCh38, 1-based): chr11:47,337,514, G>T on the plus strand (C>A on the coding strand, the complement: MYBPC3 is on the minus strand). VCF-style: chr11-47337514-G-T. GRCh37 (hg19) VCF-style: chr11-47359065-G-T.
Other names: p.Q827K:CAG>AAG; c.2479C>A, p.Gln827Lys (LRG_386t1); short protein forms Q827K.
Identifiers: ClinVar variation 180971 (VCV000180971.22), dbSNP rs375322174, ClinGen allele CA012352.